The following is an entry in ClinVar:

ClinVar aggregate classification (germline): Uncertain significance (1 of 4 stars; one submission).

Allele frequency attached by ClinVar (database versions not stated): gnomAD exomes below 0.00001.
gnomAD v4.1: 1 of 1,613,736 alleles (0.000062%); highest among the groups gnomAD compares: Non-Finnish European, 0.000085%; no homozygotes.

Submission:

GeneDx
Classification: Uncertain significance. Last evaluated: 2023-03-25. Review status: criteria provided, single submitter. Criteria: GeneDx Variant Classification Process June 2021. Collection method: clinical testing. Allele origin: germline. Affected: yes.
Comment: Not observed at significant frequency in large population cohorts (gnomAD); In silico analysis supports that this missense variant has a deleterious effect on protein structure/function; Has not been previously published as pathogenic or benign to our knowledge

NM_001366145.2(TRPM3):c.464A>G (p.Tyr155Cys)

Gene: TRPM3 (transient receptor potential cation channel subfamily M member 3; minus strand). Cytogenetic location: 9q21.12.
Variant type: single nucleotide variant.
Coding change: c.464A>G on transcript NM_001366145.2 (MANE Select); coding-DNA position 464, A replaced by G.
Protein change: p.Tyr155Cys; replaces tyrosine 155 with cysteine.
Molecular consequence: missense variant.
Genome position (GRCh38, 1-based): chr9:70,846,590, T>C on the plus strand (A>G on the coding strand, the complement: TRPM3 is on the minus strand). VCF-style: chr9-70846590-T-C. GRCh37 (hg19) VCF-style: chr9-73461506-T-C.
Other names: c.5A>G, p.Tyr2Cys (NM_001007470.3, NM_001366154.2, NM_020952.6 and 6 more transcripts); c.464A>G, p.Tyr155Cys (NM_001007471.4, NM_001366146.2, NM_001366147.2 and 6 more transcripts); c.470A>G, p.Tyr157Cys (NM_001366141.2, NM_001366142.2, NM_001366143.2 and 1 more transcripts); short protein forms Y155C, Y157C, Y2C.
Identifiers: ClinVar variation 2446213 (VCV002446213.1), dbSNP rs2540058120, ClinGen allele CA373557799.